The following is an entry in ClinVar:

ClinVar aggregate classification (germline): Uncertain significance (1 of 4 stars; one submission).

gnomAD v4.1: 1 of 1,612,290 alleles (0.000062%); highest among the groups gnomAD compares: Non-Finnish European, 0.000085%; no homozygotes.

Submission:

Labcorp Genetics (formerly Invitae), Labcorp
Classification: Uncertain significance. Last evaluated: 2022-08-22. Review status: criteria provided, single submitter. Criteria: Invitae Variant Classification Sherloc (09022015). Collection method: clinical testing. Allele origin: germline.
Comment: In summary, the available evidence is currently insufficient to determine the role of this variant in disease. Therefore, it has been classified as a Variant of Uncertain Significance. Algorithms developed to predict the effect of missense changes on protein structure and function (SIFT, PolyPhen-2, Align-GVGD) all suggest that this variant is likely to be tolerated. This variant has not been reported in the literature in individuals affected with AGBL5-related conditions. This variant is present in population databases (no rsID available, gnomAD 0.0009%). This sequence change replaces valine, which is neutral and non-polar, with leucine, which is neutral and non-polar, at codon 56 of the AGBL5 protein (p.Val56Leu).

NM_021831.6(AGBL5):c.166G>C (p.Val56Leu)

Gene: AGBL5 (AGBL carboxypeptidase 5; plus strand). Cytogenetic location: 2p23.3.
Variant type: single nucleotide variant.
Coding change: c.166G>C on transcript NM_021831.6 (MANE Select); coding-DNA position 166, G replaced by C.
Protein change: p.Val56Leu; replaces valine 56 with leucine.
Molecular consequence: missense variant. On other transcripts: non-coding transcript variant (2).
Genome position (GRCh38, 1-based): chr2:27,053,124, G>C. VCF-style: chr2-27053124-G-C. GRCh37 (hg19) VCF-style: chr2-27275992-G-C.
Other names: c.166G>C, p.Val56Leu (NM_001035506.1, NM_001035507.3); short protein forms V56L.
Identifiers: ClinVar variation 1965012 (VCV001965012.5), dbSNP rs1377711164, ClinGen allele CA346167745.
Genomic context (GRCh38, chr2:27,053,124, plus strand): 5'-GGAGGTGGGGCGTCAGCCCTGACCAGTGGCATTGCCTCTTCCCCTGACTATGAATTCAAC[G>C]TGTGGACCCGACCAGACTGTGCTGAAACGGAATTTGAGAATGGGAACAGGTATATGGAAC-3'
Protein context (NP_068603.4, residues 46-66): IASSPDYEFN[Val56Leu]WTRPDCAETE